The following is an entry in ClinVar:

ClinVar aggregate classification (germline): Uncertain significance (1 of 4 stars; one submission).

Submission:

Labcorp Genetics (formerly Invitae), Labcorp
Classification: Uncertain significance. Last evaluated: 2022-05-18. Review status: criteria provided, single submitter. Criteria: Invitae Variant Classification Sherloc (09022015). Collection method: clinical testing. Allele origin: germline.
Comment: This sequence change creates a premature translational stop signal (p.Cys62Leufs*38) in the TNFRSF6B gene. It is expected to result in an absent or disrupted protein product. However, the current clinical and genetic evidence is not sufficient to establish whether loss-of-function variants in TNFRSF6B cause disease. This variant is not present in population databases (gnomAD no frequency). This variant has not been reported in the literature in individuals affected with TNFRSF6B-related conditions. In summary, the available evidence is currently insufficient to determine the role of this variant in disease. Therefore, it has been classified as a Variant of Uncertain Significance.

NM_003823.4(TNFRSF6B):c.184dup (p.Cys62fs)

Genes: RTEL1-TNFRSF6B (RTEL1-TNFRSF6B readthrough (NMD candidate); plus strand), TNFRSF6B (TNF receptor superfamily member 6b; plus strand). Cytogenetic location: 20q13.33.
Variant type: Duplication.
Coding change: c.184dup on transcript NM_003823.4 (MANE Select); coding-DNA position 184, one base duplicated (T; older notation c.184dupT).
Protein change: p.Cys62fs; shifts the reading frame from cysteine 62.
Molecular consequence: frameshift variant. On other transcripts: non-coding transcript variant (1).
Genome position (GRCh38, 1-based): chr20:63,696,951, T duplicated. VCF-style (leftmost placement, unchanged base first): chr20-63696950-G-GT. GRCh37 (hg19) VCF-style: chr20-62328303-G-GT.
Other names: short protein forms C62fs.
Identifiers: ClinVar variation 2135080 (VCV002135080.4), dbSNP rs2517215133, ClinGen allele CA2580098482.